The following is an entry in ClinVar:

NM_000046.5(ARSB):c.1394C>G (p.Ser465Ter)

Gene: ARSB (arylsulfatase B; minus strand). Cytogenetic location: 5q14.1.
Variant type: single nucleotide variant.
Coding change: c.1394C>G on transcript NM_000046.5 (MANE Select); coding-DNA position 1394, C replaced by G.
Protein change: p.Ser465Ter; replaces serine 465 with a stop codon.
Molecular consequence: nonsense.
Genome position (GRCh38, 1-based): chr5:78,780,605, G>C on the plus strand (C>G on the coding strand, the complement: ARSB is on the minus strand). VCF-style: chr5-78780605-G-C. GRCh37 (hg19) VCF-style: chr5-78076428-G-C.
Other names: short protein forms S465*.
Identifiers: ClinVar variation 559711 (VCV000559711.2), dbSNP rs1209412483, ClinGen allele CA360339208.

ClinVar aggregate classification (germline): Likely pathogenic. Review status: criteria provided, multiple submitters, no conflicts (2 of 4 stars). 2 submissions from 2 submitters: Likely pathogenic (2). Last evaluated 2020-08-23.

Conditions:
Mucopolysaccharidosis type 6 (MPS6). Also called: N-ACETYLGALACTOSAMINE-4-SULFATASE DEFICIENCY; MPS VI; MPS 6; Maroteaux Lamy syndrome; ARSB DEFICIENCY; ARYLSULFATASE B DEFICIENCY. Identifiers: Orphanet 583, MedGen C0026709, MONDO:0009661, OMIM 253200.

Submissions (2):

Women's Health and Genetics/Laboratory Corporation of America, LabCorp
Classification: Likely pathogenic for Mucopolysaccharidosis type 6. Last evaluated: 2020-08-23. Review status: criteria provided, single submitter. Criteria: LabCorp Variant Classification Summary - May 2015. Collection method: clinical testing. Allele origin: germline.
Comment: Variant summary: ARSB c.1394C>G (p.Ser465X) results in a premature termination codon, predicted to cause a truncation of the encoded protein or absence of the protein due to nonsense mediated decay, which are commonly known mechanisms for disease. The variant was absent in 251428 control chromosomes. c.1394C>G has been reported in the literature in at least one individual affected with Mucopolysaccharidosis Type VI (Maroteaux-Lamy Syndrome; Lim_2008). These data do not allow any conclusion about variant significance. To our knowledge, no experimental evidence demonstrating an impact on protein function has been reported. One clinical diagnostic laboratory has submitted clinical-significance assessments for this variant to ClinVar after 2014 without evidence for independent evaluation and cited the variant as likely pathogenic. Based on the evidence outlined above, the variant was classified as likely pathogenic.

Laboratory of Diagnosis and Therapy of Lysosomal Disorders, University of Padova
Classification: Likely pathogenic for Mucopolysaccharidosis type 6. Last evaluated: 2018-01-01. Review status: criteria provided, single submitter. Criteria: ACMG Guidelines, 2015. Collection method: curation. Allele origin: germline. Affected: yes.
Comment: Nonsense variant (PVS1); Absent from GnomAD (PM2)

Literature cited by the submitters: PubMed 18486607 (cited by Women's Health and Genetics/Laboratory Corporation of America, LabCorp); PubMed 30118150 (cited by Women's Health and Genetics/Laboratory Corporation of America, LabCorp and Laboratory of Diagnosis and Therapy of Lysosomal Disorders, University of Padova); PubMed 24053568 (cited by Laboratory of Diagnosis and Therapy of Lysosomal Disorders, University of Padova).